The following is an entry in ClinVar:

ClinVar aggregate classification (germline): Uncertain significance. Review status: criteria provided, multiple submitters, no conflicts (2 of 4 stars). 2 submissions from 2 submitters: Uncertain significance (2). Last evaluated 2025-03-07.

Conditions:
Cystic fibrosis (CF). Also called: MUCOVISCIDOSIS. Identifiers: Orphanet 586, MedGen C0010674, MONDO:0009061, OMIM 219700. Disease mechanism: loss of function.

gnomAD v4.1: 4 of 1,598,072 alleles (0.00025%); highest among the groups gnomAD compares: East Asian, 0.0045%; no homozygotes.

Submissions (2):

Ambry Genetics
Classification: Uncertain significance for Cystic fibrosis. Last evaluated: 2025-03-07. Review status: criteria provided, single submitter. Criteria: Ambry Variant Classification Scheme 2023. Collection method: clinical testing. Allele origin: germline.
Comment: The p.I255N variant (also known as c.764T>A), located in coding exon 7 of the CFTR gene, results from a T to A substitution at nucleotide position 764. The isoleucine at codon 255 is replaced by asparagine, an amino acid with dissimilar properties. This alteration was identified in an individual diagnosed with congenital absence of vas deferens (CAVD) (Luo S et al. Gene, 2021 Jan;765:145045). This amino acid position is well conserved in available vertebrate species. In addition, this alteration is predicted to be deleterious by in silico analysis. Based on the available evidence, the clinical significance of this variant remains unclear.

Women's Health and Genetics/Laboratory Corporation of America, LabCorp
Classification: Uncertain significance. Last evaluated: 2024-05-02. Review status: criteria provided, single submitter. Criteria: LabCorp Variant Classification Summary - May 2015. Collection method: clinical testing. Allele origin: germline.
Comment: Variant summary: CFTR c.764T>A (p.Ile255Asn) results in a non-conservative amino acid change located in the ABC transporter type 1, transmembrane domain (IPR011527) of the encoded protein sequence. Four of five in-silico tools predict a damaging effect of the variant on protein function. The variant allele was found at a frequency of 8.7e-06 in 228976 control chromosomes. The available data on variant occurrences in the general population are insufficient to allow any conclusion about variant significance. c.764T>A has been reported in the literature in one individual affected with Cystic Fibrosis, without reportable second variant (Luo_2021). These report(s) do not provide unequivocal conclusions about association of the variant with Cystic Fibrosis. To our knowledge, no experimental evidence demonstrating an impact on protein function has been reported. The following publication have been ascertained in the context of this evaluation (PMID: 32777524). No submitters have cited clinical-significance assessments for this variant to ClinVar. Based on the evidence outlined above, the variant was classified as uncertain significance.

Literature cited by the submitters: PubMed 32777524 (cited by Ambry Genetics and Women's Health and Genetics/Laboratory Corporation of America, LabCorp).

NM_000492.4(CFTR):c.764T>A (p.Ile255Asn)

Gene: CFTR (CF transmembrane conductance regulator; plus strand). Cytogenetic location: 7q31.2.
Variant type: single nucleotide variant.
Coding change: c.764T>A on transcript NM_000492.4 (MANE Select); coding-DNA position 764, T replaced by A.
Protein change: p.Ile255Asn; replaces isoleucine 255 with asparagine.
Molecular consequence: missense variant.
Genome position (GRCh38, 1-based): chr7:117,536,568, T>A. VCF-style: chr7-117536568-T-A. GRCh37 (hg19) VCF-style: chr7-117176622-T-A.
Other names: short protein forms I255N.
Identifiers: ClinVar variation 3336227 (VCV003336227.2).
Genomic context (GRCh38, chr7:117,536,568, plus strand): 5'-ACTATTAGATTGATTGATTGATTGATTGATTGATTTACAGAGATCAGAGAGCTGGGAAGA[T>A]CAGTGAAAGACTTGTGATTACCTCAGAAATGATTGAAAATATCCAATCTGTTAAGGCATA-3'
Protein context (NP_000483.3, residues 245-265): MKYRDQRAGK[Ile255Asn]SERLVITSEM